The following is an entry in ClinVar:

NM_001148.6(ANK2):c.11859+1310A>G

Gene: ANK2 (ankyrin 2; plus strand). Cytogenetic location: 4q26.
Variant type: single nucleotide variant.
Coding change: c.11859+1310A>G on transcript NM_001148.6 (MANE Select); 1310 bases into the intron after coding-DNA position 11859, A replaced by G.
Molecular consequence: intron variant.
Genome position (GRCh38, 1-based): chr4:113,374,759, A>G. VCF-style: chr4-113374759-A-G. GRCh37 (hg19) VCF-style: chr4-114295915-A-G.
Other names: c.5121+1310A>G (NM_001386158.1); c.5649+1310A>G (NM_001354241.2, NM_001354240.2); c.5617-5A>G (NM_001354225.2); c.5694+1310A>G (NM_001354235.2); c.5601+1310A>G (NM_001354246.2); c.5436+1586A>G (NM_001354265.2); c.5503-5A>G (NM_001354236.2); c.5733+1310A>G (NM_001354232.2); and 60 more.
Identifiers: ClinVar variation 3040188 (VCV003040188.3), dbSNP rs559166945, ClinGen allele CA103827853.
Genomic context (GRCh38, chr4:113,374,759, plus strand): 5'-AAAAAATTCATCATAGTTACATTTGGCAATCAGACATTGTCTATTGTGTGTCCTTCGATC[A>G]TTAGGTCACTTTGTGTGAGCCCAGCATTTTGTCCAGTACCTCACAATTTCAGGCTGAGCC-3'

ClinVar aggregate classification (germline): Likely benign. Review status: criteria provided, single submitter (1 of 4 stars). 2 submissions from 2 submitters: Likely benign (1). 1 of the submissions does not count toward it. Last evaluated 2026-07-01.

Conditions:
ANK2-related disorder. Also called: ANK2-related condition.

Allele frequency attached by ClinVar (database versions not stated): gnomAD 0.00021; TOPMed 0.00026.
gnomAD v4.1: 362 of 1,084,268 alleles (0.033%); highest among the groups gnomAD compares: Non-Finnish European, 0.039%; no homozygotes.

Submissions (2):

CeGaT Center for Human Genetics Tuebingen
Classification: Likely benign. Last evaluated: 2026-07-01. Review status: criteria provided, single submitter. Criteria: CeGaT Center For Human Genetics Tuebingen Variant Classification Criteria Version 2. Collection method: clinical testing. Allele origin: germline. Affected: yes. Observed: 1 variant allele.
Comment: ANK2: BP4

PreventionGenetics, part of Exact Sciences
Classification: Likely benign for ANK2-related condition. Last evaluated: 2019-09-13. Review status: no assertion criteria provided. Collection method: clinical testing. Allele origin: germline. Not counted in ClinVar's aggregate classification.
Comment: This variant is classified as likely benign based on ACMG/AMP sequence variant interpretation guidelines (Richards et al. 2015 PMID: 25741868, with internal and published modifications).